The following is an entry in ClinVar:

NM_004523.4(KIF11):c.923dup (p.His308fs)

Gene: KIF11 (kinesin family member 11; plus strand). Cytogenetic location: 10q23.33.
Variant type: Duplication.
Coding change: c.923dup on transcript NM_004523.4 (MANE Select); coding-DNA position 923, one base duplicated (A; older notation c.923dupA).
Protein change: p.His308fs; shifts the reading frame from histidine 308.
Molecular consequence: frameshift variant.
Genome position (GRCh38, 1-based): chr10:92,613,510, A duplicated. VCF-style (leftmost placement, unchanged base first): chr10-92613509-C-CA. GRCh37 (hg19) VCF-style: chr10-94373266-C-CA.
Other names: short protein forms H308fs.
Identifiers: ClinVar variation 2693027 (VCV002693027.3), dbSNP rs2492490324, ClinGen allele CA2697558654.
Genomic context (GRCh38, chr10:92,613,509, plus strand): 5'-ATAAATCAATCCCTGTTGACTTTGGGAAGGGTCATTACTGCCCTTGTAGAAAGAACACCT[C>CA]ATGTTCCTTATCGAGAATCTAAACTAACTAGAATCCTCCAGGATTCTCTTGGAGGGCGTA-3'

ClinVar aggregate classification (germline): Pathogenic (1 of 4 stars; one submission).

Submission:

Labcorp Genetics (formerly Invitae), Labcorp
Classification: Pathogenic. Last evaluated: 2023-11-03. Review status: criteria provided, single submitter. Criteria: Invitae Variant Classification Sherloc (09022015). Collection method: clinical testing. Allele origin: germline.
Comment: This sequence change creates a premature translational stop signal (p.His308Glnfs*8) in the KIF11 gene. It is expected to result in an absent or disrupted protein product. Loss-of-function variants in KIF11 are known to be pathogenic (PMID: 22284827, 24281367). This variant is not present in population databases (gnomAD no frequency). This variant has not been reported in the literature in individuals affected with KIF11-related conditions. For these reasons, this variant has been classified as Pathogenic.

Literature cited by the submitters: PubMed 22284827; PubMed 24281367.